The following is an entry in ClinVar:

ClinVar aggregate classification (germline): Uncertain significance. Review status: criteria provided, multiple submitters, no conflicts (2 of 4 stars). 3 submissions from 3 submitters: Uncertain significance (3). Last evaluated 2025-09-11.

Conditions:
Cardiomyopathy (CMYO). Also called: Cardiomyopathies. Identifiers: Orphanet 167848, MedGen C0878544, MONDO:0004994, HP:0001638. Inheritance: Various modes of inheritance.
Hypertrophic cardiomyopathy. Also called: HYPERTROPHIC MYOCARDIOPATHY. Identifiers: Orphanet 217569, MedGen C0007194, MeSH D002312, MONDO:0005045, HP:0001639.
Cardiovascular phenotype. Identifiers: MedGen CN230736.

Allele frequency attached by ClinVar (database versions not stated): gnomAD 0.00001.
gnomAD v4.1: 1 of 1,613,940 alleles (0.000062%); highest among the groups gnomAD compares: Non-Finnish European, 0.000085%; no homozygotes.

Submissions (3):

Color Diagnostics, LLC DBA Color Health
Classification: Uncertain significance for Cardiomyopathy. Last evaluated: 2025-09-11. Review status: criteria provided, single submitter. Criteria: ACMG Guidelines, 2015. Collection method: clinical testing. Allele origin: germline.
Comment: This missense variant replaces serine with asparagine at codon 210 of the TNNI3 protein. Computational prediction suggests that this variant may not impact protein structure and function. To our knowledge, functional studies have not been reported for this variant. This variant has not been reported in individuals affected with TNNI3-related disorders in the literature. This variant has been identified in 1/249568 chromosomes in the general population by the Genome Aggregation Database (gnomAD). The available evidence is insufficient to determine the role of this variant in disease conclusively. Therefore, this variant is classified as a Variant of Uncertain Significance.

Labcorp Genetics (formerly Invitae), Labcorp
Classification: Uncertain significance for Hypertrophic cardiomyopathy. Last evaluated: 2024-08-03. Review status: criteria provided, single submitter. Criteria: Invitae Variant Classification Sherloc (09022015). Collection method: clinical testing. Allele origin: germline.
Comment: This sequence change replaces serine, which is neutral and polar, with asparagine, which is neutral and polar, at codon 210 of the TNNI3 protein (p.Ser210Asn). This variant is present in population databases (no rsID available, gnomAD 0.0009%). This variant has not been reported in the literature in individuals affected with TNNI3-related conditions. ClinVar contains an entry for this variant (Variation ID: 1752692). An algorithm developed to predict the effect of missense changes on protein structure and function (PolyPhen-2) suggests that this variant is likely to be tolerated. In summary, the available evidence is currently insufficient to determine the role of this variant in disease. Therefore, it has been classified as a Variant of Uncertain Significance.

Ambry Genetics
Classification: Uncertain significance for Cardiovascular phenotype. Last evaluated: 2021-10-11. Review status: criteria provided, single submitter. Criteria: Ambry Variant Classification Scheme 2023. Collection method: clinical testing. Allele origin: germline.
Comment: The p.S210N variant (also known as c.629G>A), located in coding exon 8 of the TNNI3 gene, results from a G to A substitution at nucleotide position 629. The serine at codon 210 is replaced by asparagine, an amino acid with highly similar properties. This amino acid position is conserved. In addition, the in silico prediction for this alteration is inconclusive. Since supporting evidence is limited at this time, the clinical significance of this alteration remains unclear.

NM_000363.5(TNNI3):c.629G>A (p.Ser210Asn)

Gene: TNNI3 (troponin I3, cardiac type; minus strand). Cytogenetic location: 19q13.42.
Variant type: single nucleotide variant.
Coding change: c.629G>A on transcript NM_000363.5 (MANE Select); coding-DNA position 629, G replaced by A.
Protein change: p.Ser210Asn; replaces serine 210 with asparagine.
Molecular consequence: missense variant.
Genome position (GRCh38, 1-based): chr19:55,151,838, C>T on the plus strand (G>A on the coding strand, the complement: TNNI3 is on the minus strand). VCF-style: chr19-55151838-C-T. GRCh37 (hg19) VCF-style: chr19-55663206-C-T.
Other names: short protein forms S210N.
Identifiers: ClinVar variation 1752692 (VCV001752692.5), dbSNP rs1240826681, ClinGen allele CA407439376.